The following is an entry in ClinVar:

ClinVar aggregate classification (germline): Uncertain significance. Review status: criteria provided, multiple submitters, no conflicts (2 of 4 stars). 3 submissions from 3 submitters: Uncertain significance (3). Last evaluated 2021-12-14.

Conditions:
Spinocerebellar ataxia type 19/22 (SCA19). Also called: SPINOCEREBELLAR ATAXIA 19; SPINOCEREBELLAR ATAXIA 22. Identifiers: Orphanet 98772, MedGen C1846367, MONDO:0011819, OMIM 607346.
Cardiovascular phenotype. Identifiers: MedGen CN230736.

Submissions (3):

Ambry Genetics
Classification: Uncertain significance for Cardiovascular phenotype. Last evaluated: 2021-12-14. Review status: criteria provided, single submitter. Criteria: Ambry Variant Classification Scheme 2023. Collection method: clinical testing. Allele origin: germline.

Labcorp Genetics (formerly Invitae), Labcorp
Classification: Uncertain significance for Spinocerebellar ataxia type 19/22. Last evaluated: 2020-11-17. Review status: criteria provided, single submitter. Criteria: Invitae Variant Classification Sherloc (09022015). Collection method: clinical testing. Allele origin: germline.
Comment: In summary, the available evidence is currently insufficient to determine the role of this variant in disease. Therefore, it has been classified as a Variant of Uncertain Significance. Algorithms developed to predict the effect of missense changes on protein structure and function (SIFT, PolyPhen-2, Align-GVGD) all suggest that this variant is likely to be disruptive, but these predictions have not been confirmed by published functional studies and their clinical significance is uncertain. This variant has not been reported in the literature in individuals with KCND3-related conditions. This variant is not present in population databases (ExAC no frequency). This sequence change replaces glycine with aspartic acid at codon 306 of the KCND3 protein (p.Gly306Asp). The glycine residue is highly conserved and there is a moderate physicochemical difference between glycine and aspartic acid.

Neuberg Centre For Genomic Medicine, NCGM
Classification: Uncertain significance for Spinocerebellar ataxia type 19/22. Review status: criteria provided, single submitter. Criteria: ACMG Guidelines, 2015. Collection method: clinical testing. Allele origin: germline. Inheritance: Autosomal dominant inheritance. Affected: yes.
Comment: The missense c.917G>A p.Gly306Asp variant in KCND3 gene has not been reported previously as a pathogenic variant nor as a benign variant, to our knowledge. The p.Gly306Asp variant is novel not in any individuals in both gnomAD Exomes and 1000 Genomes databases. This variant has been reported to the ClinVar database as Uncertain Significance. The amino acid change p.Gly306Asp in KCND3 is predicted as conserved by GERP++ and PhyloP across 100 vertebrates. The amino acid Gly at position 306 is changed to a Asp changing protein sequence and it might alter its composition and physico-chemical properties. Another variant [c.901T>C p.Ser301Pro] in the nearby residue has been reported as disease causing, suggesting that this region might be a clinically significant domain. For these reasons, this variant has been classified as a Variant of Uncertain Significance VUS.

NM_001378969.1(KCND3):c.917G>A (p.Gly306Asp)

Gene: KCND3 (potassium voltage-gated channel subfamily D member 3; minus strand). Cytogenetic location: 1p13.2.
Variant type: single nucleotide variant.
Coding change: c.917G>A on transcript NM_001378969.1 (MANE Select); coding-DNA position 917, G replaced by A.
Protein change: p.Gly306Asp; replaces glycine 306 with aspartic acid.
Molecular consequence: missense variant.
Genome position (GRCh38, 1-based): chr1:111,981,810, C>T on the plus strand (G>A on the coding strand, the complement: KCND3 is on the minus strand). VCF-style: chr1-111981810-C-T. GRCh37 (hg19) VCF-style: chr1-112524432-C-T.
Other names: c.917G>A (NM_004980.4); c.917G>A, p.Gly306Asp (NM_001378970.1, NM_004980.5, NM_172198.3); short protein forms G306D.
Identifiers: ClinVar variation 1485818 (VCV001485818.10), dbSNP rs2101995501, ClinGen allele CA341821071.
Genomic context (GRCh38, chr1:111,981,810, plus strand): 5'-AAGAGAAGAAAGCCCAGTTCGGAGGCACAGCTCTTCAGTGTGTAGCCCAGGATCCGCAGG[C>T]CCTGGGAGTGGCGGGAAAACTTGAAGATCCTGAAGACGCGGAAGACCCGGAGCGTGACGA-3'
Protein context (NP_001365898.1, residues 296-316): RIFKFSRHSQ[Gly306Asp]LRILGYTLKS